The following is an entry in ClinVar:

ClinVar aggregate classification (germline): Likely benign. Review status: criteria provided, multiple submitters, no conflicts (2 of 4 stars). 2 submissions from 2 submitters: Likely benign (2). Last evaluated 2026-05-01.

Conditions:
MYO5B-related disorder. Also called: MYO5B-related condition.

Allele frequency attached by ClinVar (database versions not stated): ExAC 0.00005; gnomAD exomes 0.00006; TOPMed 0.00009; gnomAD 0.00013; ESP Exome Variant Server 0.00016; 1000 Genomes Project 30x 0.00031; 1000 Genomes Project 0.00040.
gnomAD v4.1: 99 of 1,614,012 alleles (0.0061%); highest among the groups gnomAD compares: Non-Finnish European, 0.0081%; no homozygotes.

Submissions (2):

PreventionGenetics, part of Exact Sciences
Classification: Likely benign for MYO5B-related condition. Last evaluated: 2026-05-01. Review status: criteria provided, single submitter. Criteria: ACMG Guidelines, 2015. Collection method: clinical testing. Allele origin: germline.
Comment: This variant is classified as likely benign based on ACMG/AMP sequence variant interpretation guidelines (Richards et al. 2015 PMID: 25741868, with internal and published modifications).

Labcorp Genetics (formerly Invitae), Labcorp
Classification: Likely benign. Last evaluated: 2025-07-29. Review status: criteria provided, single submitter. Criteria: Invitae Variant Classification Sherloc (09022015). Collection method: clinical testing. Allele origin: germline.

NM_001080467.3(MYO5B):c.3538-6A>G

Gene: MYO5B (myosin VB; minus strand). Cytogenetic location: 18q21.1.
Variant type: single nucleotide variant.
Coding change: c.3538-6A>G on transcript NM_001080467.3 (MANE Select); 6 bases into the intron before coding-DNA position 3538, A replaced by G.
Molecular consequence: intron variant.
Genome position (GRCh38, 1-based): chr18:49,872,238, T>C on the plus strand (A>G on the coding strand, the complement: MYO5B is on the minus strand). VCF-style: chr18-49872238-T-C. GRCh37 (hg19) VCF-style: chr18-47398608-T-C.
Other names: c.3538-6A>G (NM_001080467.2).
Identifiers: ClinVar variation 2176435 (VCV002176435.5), dbSNP rs184723047, ClinGen allele CA8960675.